The following is an entry in ClinVar:

NM_206933.4(USH2A):c.4586A>G (p.Lys1529Arg)

Gene: USH2A (usherin; minus strand). Cytogenetic location: 1q41.
Variant type: single nucleotide variant.
Coding change: c.4586A>G on transcript NM_206933.4 (MANE Select); coding-DNA position 4586, A replaced by G.
Protein change: p.Lys1529Arg; replaces lysine 1529 with arginine.
Molecular consequence: missense variant.
Genome position (GRCh38, 1-based): chr1:216,175,293, T>C on the plus strand (A>G on the coding strand, the complement: USH2A is on the minus strand). VCF-style: chr1-216175293-T-C. GRCh37 (hg19) VCF-style: chr1-216348635-T-C.
Other names: c.4586A>G, p.Lys1529Arg (NM_007123.6); short protein forms K1529R.
Identifiers: ClinVar variation 1433945 (VCV001433945.5), dbSNP rs41303255, ClinGen allele CA344863583.

ClinVar aggregate classification (germline): Uncertain significance (1 of 4 stars; one submission).

Submission:

Labcorp Genetics (formerly Invitae), Labcorp
Classification: Uncertain significance. Last evaluated: 2022-07-05. Review status: criteria provided, single submitter. Criteria: Invitae Variant Classification Sherloc (09022015). Collection method: clinical testing. Allele origin: germline.
Comment: This sequence change replaces lysine, which is basic and polar, with arginine, which is basic and polar, at codon 1529 of the USH2A protein (p.Lys1529Arg). This variant is not present in population databases (gnomAD no frequency). This variant has not been reported in the literature in individuals affected with USH2A-related conditions. ClinVar contains an entry for this variant (Variation ID: 1433945). Algorithms developed to predict the effect of missense changes on protein structure and function output the following: SIFT: "Tolerated"; PolyPhen-2: "Benign"; Align-GVGD: "Class C0". The arginine amino acid residue is found in multiple mammalian species, which suggests that this missense change does not adversely affect protein function. In summary, the available evidence is currently insufficient to determine the role of this variant in disease. Therefore, it has been classified as a Variant of Uncertain Significance.